The following is an entry in ClinVar:

ClinVar aggregate classification (germline): Uncertain significance (1 of 4 stars; one submission).

Submission:

Labcorp Genetics (formerly Invitae), Labcorp
Classification: Uncertain significance. Last evaluated: 2026-01-10. Review status: criteria provided, single submitter. Criteria: Invitae Variant Classification Sherloc (09022015). Collection method: clinical testing. Allele origin: germline.
Comment: This sequence change replaces valine, which is neutral and non-polar, with phenylalanine, which is neutral and non-polar, at codon 568 of the PLA2G4A protein (p.Val568Phe). This variant is not present in population databases (gnomAD no frequency). This variant has not been reported in the literature in individuals affected with PLA2G4A-related conditions. Invitae Evidence Modeling of protein sequence and biophysical properties (such as structural, functional, and spatial information, amino acid conservation, physicochemical variation, residue mobility, and thermodynamic stability) indicates that this missense variant is expected to disrupt PLA2G4A protein function with a positive predictive value of 80%. In summary, the available evidence is currently insufficient to determine the role of this variant in disease. Therefore, it has been classified as a Variant of Uncertain Significance.

NM_024420.3(PLA2G4A):c.1702G>T (p.Val568Phe)

Gene: PLA2G4A (phospholipase A2 group IVA; plus strand). Cytogenetic location: 1q31.1.
Variant type: single nucleotide variant.
Coding change: c.1702G>T on transcript NM_024420.3 (MANE Select); coding-DNA position 1702, G replaced by T.
Protein change: p.Val568Phe; replaces valine 568 with phenylalanine.
Molecular consequence: missense variant.
Genome position (GRCh38, 1-based): chr1:186,965,531, G>T. VCF-style: chr1-186965531-G-T. GRCh37 (hg19) VCF-style: chr1-186934663-G-T.
Other names: c.1522G>T, p.Val508Phe (NM_001311193.2); short protein forms V508F, V568F.
Identifiers: ClinVar variation 4738031 (VCV004738031.1).